The following is an entry in ClinVar:

ClinVar aggregate classification (germline): Uncertain significance. Review status: criteria provided, multiple submitters, no conflicts (2 of 4 stars). 2 submissions from 2 submitters: Uncertain significance (2). Last evaluated 2025-12-19.

Conditions:
Hereditary cancer-predisposing syndrome. Also called: Neoplastic Syndromes, Hereditary; Tumor predisposition; Hereditary neoplastic syndrome; Hereditary Cancer Syndrome. Identifiers: Orphanet 140162, MedGen C0027672, MeSH D009386, MONDO:0015356.

Submissions (2):

Labcorp Genetics (formerly Invitae), Labcorp
Classification: Uncertain significance. Last evaluated: 2025-12-19. Review status: criteria provided, single submitter. Criteria: Invitae Variant Classification Sherloc (09022015). Collection method: clinical testing. Allele origin: germline.
Comment: This sequence change replaces histidine, which is basic and polar, with arginine, which is basic and polar, at codon 1088 of the MSH3 protein (p.His1088Arg). This variant is not present in population databases (gnomAD no frequency). This variant has not been reported in the literature in individuals affected with MSH3-related conditions. ClinVar contains an entry for this variant (Variation ID: 2451032). An algorithm developed to predict the effect of missense changes on protein structure and function outputs the following: PolyPhen-2: "Benign". The arginine amino acid residue is found in multiple mammalian species, which suggests that this missense change does not adversely affect protein function. In summary, the available evidence is currently insufficient to determine the role of this variant in disease. Therefore, it has been classified as a Variant of Uncertain Significance.

Ambry Genetics
Classification: Uncertain significance for Hereditary cancer-predisposing syndrome. Last evaluated: 2025-06-10. Review status: criteria provided, single submitter. Criteria: Ambry Variant Classification Scheme 2023. Collection method: clinical testing. Allele origin: germline.
Comment: The p.H1088R variant (also known as c.3263A>G), located in coding exon 23 of the MSH3 gene, results from an A to G substitution at nucleotide position 3263. The histidine at codon 1088 is replaced by arginine, an amino acid with highly similar properties. This amino acid position is poorly conserved in available vertebrate species. In addition, this alteration is predicted to be tolerated by in silico analysis. Since supporting evidence is limited at this time, the clinical significance of this alteration remains unclear.

NM_002439.5(MSH3):c.3263A>G (p.His1088Arg)

Gene: MSH3 (mutS homolog 3; plus strand). Cytogenetic location: 5q14.1.
Variant type: single nucleotide variant.
Coding change: c.3263A>G on transcript NM_002439.5 (MANE Select); coding-DNA position 3263, A replaced by G.
Protein change: p.His1088Arg; replaces histidine 1088 with arginine.
Molecular consequence: missense variant.
Genome position (GRCh38, 1-based): chr5:80,873,248, A>G. VCF-style: chr5-80873248-A-G. GRCh37 (hg19) VCF-style: chr5-80169067-A-G.
Other names: short protein forms H1088R.
Identifiers: ClinVar variation 2451032 (VCV002451032.5), dbSNP rs2478805446, ClinGen allele CA360347057.